The following is an entry in ClinVar:

ClinVar aggregate classification (germline): Uncertain significance (1 of 4 stars; one submission).

gnomAD v4.1: 12 of 1,611,970 alleles (0.00074%); highest among the groups gnomAD compares: African/African-American, 0.016%; no homozygotes.

Submission:

GeneDx
Classification: Uncertain significance. Last evaluated: 2024-11-06. Review status: criteria provided, single submitter. Criteria: GeneDx Variant Classification Process June 2021. Collection method: clinical testing. Allele origin: germline. Affected: yes.
Comment: In silico analysis indicates that this missense variant does not alter protein structure/function; Has not been previously published as pathogenic or benign to our knowledge

NM_022835.3(PLEKHG2):c.4144G>C (p.Ala1382Pro)

Gene: PLEKHG2 (pleckstrin homology and RhoGEF domain containing G2; plus strand). Cytogenetic location: 19q13.2.
Variant type: single nucleotide variant.
Coding change: c.4144G>C on transcript NM_022835.3 (MANE Select); coding-DNA position 4144, G replaced by C.
Protein change: p.Ala1382Pro; replaces alanine 1382 with proline.
Molecular consequence: missense variant.
Genome position (GRCh38, 1-based): chr19:39,425,277, G>C. VCF-style: chr19-39425277-G-C. GRCh37 (hg19) VCF-style: chr19-39915917-G-C.
Other names: c.3612G>C, p.Met1204Ile (NM_001351693.2); c.1717G>C, p.Ala573Pro (NM_001351694.2); short protein forms A1382P, A573P, M1204I.
Identifiers: ClinVar variation 3899097 (VCV003899097.1).